The following is an entry in ClinVar:

ClinVar aggregate classification (germline): Uncertain significance. Review status: criteria provided, multiple submitters, no conflicts (2 of 4 stars). 4 submissions from 4 submitters: Uncertain significance (4). Last evaluated 2024-09-04.

Conditions:
Hereditary nonpolyposis colorectal neoplasms. Identifiers: MedGen C0009405, MeSH D003123.
Hereditary cancer-predisposing syndrome. Also called: Neoplastic Syndromes, Hereditary; Tumor predisposition; Hereditary Cancer Syndrome; Hereditary neoplastic syndrome. Identifiers: Orphanet 140162, MedGen C0027672, MeSH D009386, MONDO:0015356.
Lynch syndrome. Identifiers: Orphanet 144, MedGen C4552100, MONDO:0005835. Disease mechanism: loss of function.

Submissions (4):

Ambry Genetics
Classification: Uncertain significance for Hereditary cancer-predisposing syndrome. Last evaluated: 2024-09-04. Review status: criteria provided, single submitter. Criteria: Ambry Variant Classification Scheme 2023. Collection method: clinical testing. Allele origin: germline.
Comment: The p.D284H variant (also known as c.850G>C), located in coding exon 4 of the MSH6 gene, results from a G to C substitution at nucleotide position 850. The aspartic acid at codon 284 is replaced by histidine, an amino acid with similar properties. This amino acid position is not well conserved in available vertebrate species. In addition, the in silico prediction for this alteration is inconclusive. Since supporting evidence is limited at this time, the clinical significance of this alteration remains unclear.

Color Diagnostics, LLC DBA Color Health
Classification: Uncertain significance for Hereditary cancer-predisposing syndrome. Last evaluated: 2023-12-05. Review status: criteria provided, single submitter. Criteria: ACMG Guidelines, 2015. Collection method: clinical testing. Allele origin: germline.
Comment: This missense variant replaces aspartic acid with histidine at codon 284 of the MSH6 protein. Computational prediction suggests that this variant may not impact protein structure and function (internally defined REVEL score threshold <= 0.5, PMID: 27666373). To our knowledge, functional studies have not been reported for this variant. This variant has not been reported in individuals affected with MSH6-related disorders in the literature. This variant has not been identified in the general population by the Genome Aggregation Database (gnomAD). The available evidence is insufficient to determine the role of this variant in disease conclusively. Therefore, this variant is classified as a Variant of Uncertain Significance.

All of Us Research Program, National Institutes of Health
Classification: Uncertain significance for Lynch syndrome. Last evaluated: 2023-05-15. Review status: criteria provided, single submitter. Criteria: ACMG Guidelines, 2015. Collection method: clinical testing. Allele origin: germline. Inheritance: Autosomal dominant inheritance. Observed: 1 variant allele, 1 heterozygote.
Comment: This study involves interpretation of variants in research participants for the purpose of population health screening. Participant phenotype was not available at the time of variant classification. Additional details can be found in publication PMID: 35346344, PMCID: PMC8962531

Labcorp Genetics (formerly Invitae), Labcorp
Classification: Uncertain significance for Hereditary nonpolyposis colorectal neoplasms. Last evaluated: 2020-06-09. Review status: criteria provided, single submitter. Criteria: Invitae Variant Classification Sherloc (09022015). Collection method: clinical testing. Allele origin: germline.
Comment: This sequence change replaces aspartic acid with histidine at codon 284 of the MSH6 protein (p.Asp284His). The aspartic acid residue is weakly conserved and there is a moderate physicochemical difference between aspartic acid and histidine. This variant is not present in population databases (ExAC no frequency). This variant has not been reported in the literature in individuals with MSH6-related disease. Algorithms developed to predict the effect of missense changes on protein structure and function do not agree on the potential impact of this missense change (SIFT: "Deleterious"; PolyPhen-2: "Possibly Damaging"; Align-GVGD: "Class C0"). In summary, the available evidence is currently insufficient to determine the role of this variant in disease. Therefore, it has been classified as a Variant of Uncertain Significance.

NM_000179.3(MSH6):c.850G>C (p.Asp284His)

Gene: MSH6 (mutS homolog 6; plus strand). Cytogenetic location: 2p16.3.
Variant type: single nucleotide variant.
Coding change: c.850G>C on transcript NM_000179.3 (MANE Select); coding-DNA position 850, G replaced by C.
Protein change: p.Asp284His; replaces aspartic acid 284 with histidine.
Molecular consequence: missense variant. On other transcripts: 5 prime UTR variant (2).
Genome position (GRCh38, 1-based): chr2:47,798,833, G>C. VCF-style: chr2-47798833-G-C. GRCh37 (hg19) VCF-style: chr2-48025972-G-C.
Other names: c.460G>C, p.Asp154His (NM_001281492.2); c.-57G>C (NM_001281493.2, NM_001281494.2); short protein forms D284H, D154H.
Identifiers: ClinVar variation 525820 (VCV000525820.19), dbSNP rs1553412286, ClinGen allele CA346740545.